The following is an entry in ClinVar:

NM_003560.4(PLA2G6):c.1880-1G>A

Gene: PLA2G6 (phospholipase A2 group VI; minus strand). Cytogenetic location: 22q13.1.
Variant type: single nucleotide variant.
Coding change: c.1880-1G>A on transcript NM_003560.4 (MANE Select); the canonical splice acceptor site of the intron before coding-DNA position 1880, G replaced by A.
Molecular consequence: splice acceptor variant.
Genome position (GRCh38, 1-based): chr22:38,115,682, C>T on the plus strand (G>A on the coding strand, the complement: PLA2G6 is on the minus strand). VCF-style: chr22-38115682-C-T. GRCh37 (hg19) VCF-style: chr22-38511689-C-T.
Other names: c.1202-1G>A (NM_001349868.2); c.1718-1G>A (NM_001349866.2, NM_001199562.3, NM_001349865.2 and 1 more transcripts); c.1184-1G>A (NM_001349869.2); c.1346-1G>A (NM_001349867.2); c.1880-1G>A (NM_001349864.2).
Identifiers: ClinVar variation 4542454 (VCV004542454.1).

ClinVar aggregate classification (germline): Likely pathogenic (1 of 4 stars; one submission).

Submission:

Mayo Clinic Laboratories, Mayo Clinic
Classification: Likely pathogenic. Last evaluated: 2025-07-30. Review status: criteria provided, single submitter. Criteria: ACMG Guidelines, 2015. Collection method: clinical testing. Allele origin: germline. Observed: 1 variant allele.
Comment: PM2_supporting, PVS1